The following is an entry in ClinVar:

NM_194279.4(ISCA2):c.150C>G (p.Ile50Met)

Gene: ISCA2 (iron-sulfur cluster assembly 2; plus strand). Cytogenetic location: 14q24.3.
Variant type: single nucleotide variant.
Coding change: c.150C>G on transcript NM_194279.4 (MANE Select); coding-DNA position 150, C replaced by G.
Protein change: p.Ile50Met; replaces isoleucine 50 with methionine.
Molecular consequence: missense variant.
Genome position (GRCh38, 1-based): chr14:74,494,128, C>G. VCF-style: chr14-74494128-C-G. GRCh37 (hg19) VCF-style: chr14-74960831-C-G.
Other names: c.150C>G, p.Ile50Met (NM_001272007.2); short protein forms I50M.
Identifiers: ClinVar variation 1388768 (VCV001388768.5), dbSNP rs1428962120, ClinGen allele CA390378056.
Genomic context (GRCh38, chr14:74,494,128, plus strand): 5'-GGGACCCCAGGCGCGTCGGGAGGCGTCGTCCTCCAGCCCCGAGGCCGGCGAAGGGCAGAT[C>G]CGCCTCACAGACAGTTGCGTCCAGGTAGGAGGCCGGACGCGGAGCGGCGGTACCCAGGCG-3'
Protein context (NP_919255.2, residues 40-60): SSSPEAGEGQ[Ile50Met]RLTDSCVQRL

ClinVar aggregate classification (germline): Uncertain significance (1 of 4 stars; one submission).

gnomAD v4.1: 1 of 1,585,206 alleles (0.000063%); highest among the groups gnomAD compares: South Asian, 0.0011%; no homozygotes.

Submission:

Labcorp Genetics (formerly Invitae), Labcorp
Classification: Uncertain significance. Last evaluated: 2022-07-18. Review status: criteria provided, single submitter. Criteria: Invitae Variant Classification Sherloc (09022015). Collection method: clinical testing. Allele origin: germline.
Comment: This sequence change replaces isoleucine, which is neutral and non-polar, with methionine, which is neutral and non-polar, at codon 50 of the ISCA2 protein (p.Ile50Met). This variant is not present in population databases (gnomAD no frequency). This variant has not been reported in the literature in individuals affected with ISCA2-related conditions. ClinVar contains an entry for this variant (Variation ID: 1388768). Algorithms developed to predict the effect of missense changes on protein structure and function are either unavailable or do not agree on the potential impact of this missense change (SIFT: "Deleterious"; PolyPhen-2: "Possibly Damaging"; Align-GVGD: "Class C0"). In summary, the available evidence is currently insufficient to determine the role of this variant in disease. Therefore, it has been classified as a Variant of Uncertain Significance.